The following is an entry in ClinVar:

ClinVar aggregate classification (germline): Uncertain significance. Review status: criteria provided, multiple submitters, no conflicts (2 of 4 stars). 2 submissions from 2 submitters: Uncertain significance (2). Last evaluated 2023-11-30.

Conditions:
Amyotrophic lateral sclerosis type 1 (ALS1). Also called: AMYOTROPHIC LATERAL SCLEROSIS 1, FAMILIAL. Identifiers: Orphanet 803, MedGen C1862939, MONDO:0007103, OMIM 105400.
Neuronopathy, distal hereditary motor, type 7B. Also called: HMN VIIB; LOWER MOTOR NEURON DISEASE, DYNACTIN TYPE; NEURONOPATHY, DISTAL HEREDITARY MOTOR, AUTOSOMAL DOMINANT 14; NEURONOPATHY, DISTAL HEREDITARY MOTOR, HARDING TYPE VIIB; NEUROPATHY, DISTAL HEREDITARY MOTOR, HARDING TYPE VIIB; NEUROPATHY, DISTAL HEREDITARY MOTOR, WITH VOCAL CORD PARALYSIS, HARDING TYPE VIIB. Identifiers: Orphanet 139589, MedGen C1843315, MONDO:0011879, OMIM 607641.
Perry syndrome. Also called: PARKINSONISM WITH ALVEOLAR HYPOVENTILATION AND MENTAL DEPRESSION. Identifiers: Orphanet 178509, MedGen C1868594, MONDO:0008201, OMIM 168605.

Allele frequency attached by ClinVar (database versions not stated): gnomAD exomes below 0.00001.
gnomAD v4.1: 5 of 1,614,228 alleles (0.00031%); highest among the groups gnomAD compares: South Asian, 0.0022%; no homozygotes.

Submissions (2):

Labcorp Genetics (formerly Invitae), Labcorp
Classification: Uncertain significance for Amyotrophic lateral sclerosis type 1; Neuronopathy, distal hereditary motor, type 7B; Perry syndrome. Last evaluated: 2023-11-30. Review status: criteria provided, single submitter. Criteria: Invitae Variant Classification Sherloc (09022015). Collection method: clinical testing. Allele origin: germline.
Comment: This sequence change replaces alanine, which is neutral and non-polar, with valine, which is neutral and non-polar, at codon 756 of the DCTN1 protein (p.Ala756Val). This variant is not present in population databases (gnomAD no frequency). This variant has not been reported in the literature in individuals affected with DCTN1-related conditions. Advanced modeling of protein sequence and biophysical properties (such as structural, functional, and spatial information, amino acid conservation, physicochemical variation, residue mobility, and thermodynamic stability) performed at Invitae indicates that this missense variant is expected to disrupt DCTN1 protein function with a positive predictive value of 80%. In summary, the available evidence is currently insufficient to determine the role of this variant in disease. Therefore, it has been classified as a Variant of Uncertain Significance.

Kariminejad - Najmabadi Pathology & Genetics Center
Classification: Uncertain significance. Last evaluated: 2018-05-28. Review status: criteria provided, single submitter. Criteria: ACMG Guidelines, 2015. Collection method: clinical testing. Allele origin: germline. Inheritance: Autosomal recessive inheritance. Affected: yes. Observed: 2 variant alleles.
Comment: PM2 PP3

NM_004082.5(DCTN1):c.2267C>T (p.Ala756Val)

Gene: DCTN1 (dynactin subunit 1; minus strand). Cytogenetic location: 2p13.1.
Variant type: single nucleotide variant.
Coding change: c.2267C>T on transcript NM_004082.5 (MANE Select); coding-DNA position 2267, C replaced by T.
Protein change: p.Ala756Val; replaces alanine 756 with valine.
Molecular consequence: missense variant. On other transcripts: non-coding transcript variant (1).
Genome position (GRCh38, 1-based): chr2:74,367,094, G>A on the plus strand (C>T on the coding strand, the complement: DCTN1 is on the minus strand). VCF-style: chr2-74367094-G-A. GRCh37 (hg19) VCF-style: chr2-74594221-G-A.
Other names: c.2207C>T, p.Ala736Val (NM_001135040.3); c.1865C>T, p.Ala622Val (NM_001135041.3, NM_023019.4); c.2156C>T, p.Ala719Val (NM_001190836.2); c.2246C>T, p.Ala749Val (NM_001190837.2); c.2216C>T, p.Ala739Val (NM_001378991.1); c.2198C>T, p.Ala733Val (NM_001378992.1); short protein forms A736V, A756V, A622V, A749V, A719V, A733V, A739V.
Identifiers: ClinVar variation 2938130 (VCV002938130.4), dbSNP rs2529119998, ClinGen allele CA347348868.